The following is an entry in ClinVar:

ClinVar aggregate classification (germline): Uncertain significance (1 of 4 stars; one submission).

Conditions:
Bardet-Biedl syndrome (BBS). Identifiers: Orphanet 110, MedGen C0752166, MONDO:0015229.

Allele frequency attached by ClinVar (database versions not stated): gnomAD 0.00001; TOPMed 0.00001.
gnomAD v4.1: 1 of 1,614,052 alleles (0.000062%); highest among the groups gnomAD compares: African/African-American, 0.0013%; no homozygotes.

Submission:

Labcorp Genetics (formerly Invitae), Labcorp
Classification: Uncertain significance for Bardet-Biedl syndrome. Last evaluated: 2022-07-05. Review status: criteria provided, single submitter. Criteria: Invitae Variant Classification Sherloc (09022015). Collection method: clinical testing. Allele origin: germline.
Comment: This variant is not present in population databases (gnomAD no frequency). In summary, the available evidence is currently insufficient to determine the role of this variant in disease. Therefore, it has been classified as a Variant of Uncertain Significance. Algorithms developed to predict the effect of missense changes on protein structure and function (SIFT, PolyPhen-2, Align-GVGD) all suggest that this variant is likely to be tolerated. ClinVar contains an entry for this variant (Variation ID: 1513237). This variant has not been reported in the literature in individuals affected with BBS5-related conditions. This sequence change replaces alanine, which is neutral and non-polar, with valine, which is neutral and non-polar, at codon 6 of the BBS5 protein (p.Ala6Val).

NM_152384.3(BBS5):c.17C>T (p.Ala6Val)

Genes: BBS5 (Bardet-Biedl syndrome 5; plus strand), LOC129935068 (ATAC-STARR-seq lymphoblastoid active region 16738; plus strand). Cytogenetic location: 2q31.1.
Variant type: single nucleotide variant.
Coding change: c.17C>T on transcript NM_152384.3 (MANE Select); coding-DNA position 17, C replaced by T.
Protein change: p.Ala6Val; replaces alanine 6 with valine.
Molecular consequence: missense variant.
Genome position (GRCh38, 1-based): chr2:169,479,570, C>T. VCF-style: chr2-169479570-C-T. GRCh37 (hg19) VCF-style: chr2-170336080-C-T.
Other names: short protein forms A6V.
Identifiers: ClinVar variation 1513237 (VCV001513237.8), dbSNP rs1307558837, ClinGen allele CA349158654.
Genomic context (GRCh38, chr2:169,479,570, plus strand): 5'-GCCTGCACGGCTGTGGAGAGATCCTGCCACGGGCCTTGTTCACCATGTCGGTGCTGGATG[C>T]GCTTTGGGAGGATCGGGATGTCCGTTTCGACCTGTCCGCGCAGTGAGTTTCCAAGATTCC-3'
Protein context (NP_689597.1, residues 1-16): MSVLD[Ala6Val]LWEDRDVRFD